The following is an entry in ClinVar:

NM_000426.4(LAMA2):c.6501C>A (p.Tyr2167Ter)

Gene: LAMA2 (laminin subunit alpha 2; plus strand). Cytogenetic location: 6q22.33.
Variant type: single nucleotide variant.
Coding change: c.6501C>A on transcript NM_000426.4 (MANE Select); coding-DNA position 6501, C replaced by A.
Protein change: p.Tyr2167Ter; replaces tyrosine 2167 with a stop codon.
Molecular consequence: nonsense.
Genome position (GRCh38, 1-based): chr6:129,453,059, C>A. VCF-style: chr6-129453059-C-A. GRCh37 (hg19) VCF-style: chr6-129774204-C-A.
Other names: c.6501C>A, p.Tyr2167Ter (NM_001079823.2); short protein forms Y2167*.
Identifiers: ClinVar variation 1445696 (VCV001445696.10), dbSNP rs1424455269, ClinGen allele CA365616606.

ClinVar aggregate classification (germline): Pathogenic. Review status: criteria provided, multiple submitters, no conflicts (2 of 4 stars). 3 submissions from 3 submitters: Pathogenic (3). Last evaluated 2025-02-16.

Conditions:
LAMA2-related muscular dystrophy (LAMA2-RD). Also called: Laminin alpha 2-related dystrophy. Identifiers: MedGen C5679788, MONDO:0100228.
Merosin deficient congenital muscular dystrophy (MDC1A). Also called: Congenital Muscular Dystrophy Type 1A (MDC1A); Congenital merosin-deficient muscular dystrophy 1A. Identifiers: Orphanet 258, MedGen C1263858, MONDO:0011925, OMIM 607855.
Muscular dystrophy, limb-girdle, autosomal recessive 23. Identifiers: Orphanet 565837, MedGen C4748327, MONDO:0029136, OMIM 618138.

Allele frequency attached by ClinVar (database versions not stated): gnomAD exomes below 0.00001 and 0.00001.
gnomAD v4.1: 2 of 1,612,626 alleles (0.00012%); highest among the groups gnomAD compares: Admixed American, 0.0033%; no homozygotes.

Submissions (3):

3billion
Classification: Pathogenic for Merosin deficient congenital muscular dystrophy. Last evaluated: 2025-02-16. Review status: criteria provided, single submitter. Criteria: ACMG Guidelines, 2015. Collection method: clinical testing. Allele origin: germline. Affected: yes.
Comment: The variant is observed at an extremely low frequency in the gnomAD v4.1.0 dataset (total allele frequency: <0.001%). Predicted Consequence/Location: Stop-gained (nonsense): predicted to result in a loss or disruption of normal protein function through nonsense-mediated decay (NMD) or protein truncation. Multiple pathogenic variants are reported downstream of the variant. The variant has been reported at least twice as pathogenic without evidence for the classification (ClinVar ID: VCV001445696). Therefore, this variant is classified as Pathogenic according to the recommendation of ACMG/AMP guideline.

Labcorp Genetics (formerly Invitae), Labcorp
Classification: Pathogenic for LAMA2-related muscular dystrophy. Last evaluated: 2024-10-03. Review status: criteria provided, single submitter. Criteria: Invitae Variant Classification Sherloc (09022015). Collection method: clinical testing. Allele origin: germline.
Comment: This sequence change creates a premature translational stop signal (p.Tyr2167*) in the LAMA2 gene. It is expected to result in an absent or disrupted protein product. Loss-of-function variants in LAMA2 are known to be pathogenic (PMID: 18700894, 32904964). This variant is present in population databases (no rsID available, gnomAD 0.006%). This premature translational stop signal has been observed in individual(s) with congenital muscular dystrophy (PMID: 30055037). ClinVar contains an entry for this variant (Variation ID: 1445696). For these reasons, this variant has been classified as Pathogenic.

Fulgent Genetics
Classification: Pathogenic for Merosin deficient congenital muscular dystrophy; Muscular dystrophy, limb-girdle, autosomal recessive 23. Last evaluated: 2024-01-23. Review status: criteria provided, single submitter. Criteria: ACMG Guidelines, 2015. Collection method: clinical testing. Allele origin: germline.

Literature cited by the submitters: PubMed 18700894 (cited by Labcorp Genetics (formerly Invitae), Labcorp); PubMed 32904964 (cited by Labcorp Genetics (formerly Invitae), Labcorp); PubMed 30055037 (cited by Labcorp Genetics (formerly Invitae), Labcorp).